The following is an entry in ClinVar:

NM_002025.4(AFF2):c.2057_2062dup (p.Asn687_Ile688insThrAsn)

Gene: AFF2 (ALF transcription elongation factor 2; plus strand). Cytogenetic location: Xq28.
Variant type: Duplication.
Coding change: c.2057_2062dup on transcript NM_002025.4 (MANE Select); coding-DNA positions 2057 to 2062, 6 bases duplicated (CTAACA; older notation c.2057_2062dupCTAACA).
Protein change: p.Asn687_Ile688insThrAsn.
Molecular consequence: inframe insertion.
Genome position (GRCh38, 1-based): chrX:148,956,102-148,956,107, CTAACA duplicated. VCF-style (leftmost placement, unchanged base first): chrX-148956101-C-CCTAACA. GRCh37 (hg19) VCF-style: chrX-148037631-C-CCTAACA.
Other names: c.1958_1963dup, p.Asn654_Ile655insThrAsn (NM_001169122.2); c.2027_2032dup, p.Asn677_Ile678insThrAsn (NM_001169123.2); c.1952_1957dup, p.Asn652_Ile653insThrAsn (NM_001169124.2); c.1940_1945dup, p.Asn648_Ile649insThrAsn (NM_001169125.2); c.980_985dup, p.Asn328_Ile329insThrAsn (NM_001170628.1).
Identifiers: ClinVar variation 5004034 (VCV005004034.1).

ClinVar aggregate classification (germline): Uncertain significance (1 of 4 stars; one submission).

Conditions:
FRAXE. Also called: Intellectual developmental disorder, X-linked 109; Fragile XE syndrome; FRAXE intellectual disability; Intellectual disability, X-linked, FRAXE type; FRAXE Syndrome. Identifiers: Orphanet 100973, MedGen C0751157, MONDO:0010659, OMIM 309548. Disease mechanism: loss of function.

Submission:

Myriad Genetics, Inc.
Classification: Uncertain significance for FRAXE. Last evaluated: 2026-03-27. Review status: criteria provided, single submitter. Criteria: Myriad Autosomal Dominant, Autosomal Recessive and X-Linked Classification Criteria (2023). Collection method: clinical testing. Allele origin: unknown.
Comment: NM_002025.3(AFF2):c.2057_2062dup6(N687_I688insTN) is an in-frame insertion classified as a variant of uncertain significance in the context of fragile XE syndrome. N687_I688insTN has not been observed in cases with relevant disease. Relevant functional assessments of this variant are not available in the literature. N687_I688insTN has been observed in referenced population frequency databases. In summary, there is insufficient evidence to classify NM_002025.3(AFF2):c.2057_2062dup6(N687_I688insTN) as pathogenic or benign. Please note: this variant was assessed in the context of healthy population screening.